The following is an entry in ClinVar:

ClinVar aggregate classification (germline): Uncertain significance (1 of 4 stars; one submission).

Conditions:
Autosomal recessive limb-girdle muscular dystrophy type 2W (MDRCMTT). Also called: Muscular dystrophy, autosomal recessive, with cardiomyopathy and triangular tongue; Muscular dystrophy, limb-girdle, type 2W. Identifiers: MedGen C4225192, MONDO:0014788, OMIM 616827.

Allele frequency attached by ClinVar (database versions not stated): TOPMed 0.00002; gnomAD exomes 0.00004; ExAC 0.00006; gnomAD 0.00001 and 0.00002; 1000 Genomes Project 0.00020; 1000 Genomes Project 30x 0.00031.
gnomAD v4.1: 36 of 1,614,054 alleles (0.0022%); highest among the groups gnomAD compares: South Asian, 0.018%; no homozygotes.

Submission:

Labcorp Genetics (formerly Invitae), Labcorp
Classification: Uncertain significance for Autosomal recessive limb-girdle muscular dystrophy type 2W. Last evaluated: 2023-07-17. Review status: criteria provided, single submitter. Criteria: Invitae Variant Classification Sherloc (09022015). Collection method: clinical testing. Allele origin: germline.
Comment: ClinVar contains an entry for this variant (Variation ID: 1046324). This variant has not been reported in the literature in individuals affected with LIMS2-related conditions. This variant is present in population databases (rs531118175, gnomAD 0.01%). This sequence change affects codon 101 of the LIMS2 mRNA. It is a 'silent' change, meaning that it does not change the encoded amino acid sequence of the LIMS2 protein. It affects a nucleotide within the consensus splice site. Algorithms developed to predict the effect of sequence changes on RNA splicing suggest that this variant is not likely to affect RNA splicing. In summary, the available evidence is currently insufficient to determine the role of this variant in disease. Therefore, it has been classified as a Variant of Uncertain Significance.

NM_001161403.3(LIMS2):c.237C>T (p.Cys79=)

Gene: LIMS2 (LIM zinc finger domain containing 2; minus strand). Cytogenetic location: 2q14.3.
Variant type: single nucleotide variant.
Coding change: c.237C>T on transcript NM_001161403.3 (MANE Select); coding-DNA position 237, C replaced by T.
Protein change: p.Cys79=; no amino-acid change (cysteine 79 retained).
Molecular consequence: synonymous variant.
Genome position (GRCh38, 1-based): chr2:127,654,831, G>A on the plus strand (C>T on the coding strand, the complement: LIMS2 is on the minus strand). VCF-style: chr2-127654831-G-A. GRCh37 (hg19) VCF-style: chr2-128412405-G-A.
Other names: c.303C>T, p.Cys101= (NM_001136037.4); c.222C>T, p.Cys74= (NM_001161404.2); c.309C>T, p.Cys103= (NM_017980.5).
Identifiers: ClinVar variation 1046324 (VCV001046324.10), dbSNP rs531118175, ClinGen allele CA1863510.